The following is an entry in ClinVar:

NM_006005.3(WFS1):c.1680C>T (p.Ser560=)

Gene: WFS1 (wolframin ER transmembrane glycoprotein; plus strand). Cytogenetic location: 4p16.1.
Variant type: single nucleotide variant.
Coding change: c.1680C>T on transcript NM_006005.3 (MANE Select); coding-DNA position 1680, C replaced by T.
Protein change: p.Ser560=; no amino-acid change (serine 560 retained).
Molecular consequence: synonymous variant.
Genome position (GRCh38, 1-based): chr4:6,301,475, C>T. VCF-style: chr4-6301475-C-T. GRCh37 (hg19) VCF-style: chr4-6303202-C-T.
Other names: c.1680C>T, p.Ser560= (NM_001145853.1).
Identifiers: ClinVar variation 767108 (VCV000767108.11), dbSNP rs760906868, ClinGen allele CA438368950.

ClinVar aggregate classification (germline): Benign/Likely benign. Review status: criteria provided, multiple submitters, no conflicts (2 of 4 stars). 3 submissions from 3 submitters: Benign (1); Likely benign (2). Last evaluated 2025-09-04.

Conditions:
Cataract 41 (CTRCT41). Also called: CATARACT 41, CONGENITAL NUCLEAR TYPE. Identifiers: Orphanet 91492, Orphanet 98991, Orphanet 98992, Orphanet 98995, MedGen C3805412, MONDO:0007287, OMIM 116400.
Wolfram-like syndrome. Also called: HEARING LOSS, PROGRESSIVE, WITH OPTIC ATROPHY AND/OR IMPAIRED GLUCOSE REGULATION. Identifiers: Orphanet 411590, MedGen C3280358, MONDO:0013673, OMIM 614296.
Autosomal dominant nonsyndromic hearing loss 6 (LFSNHL). Also called: DEAFNESS, AUTOSOMAL DOMINANT 6; DEAFNESS, AUTOSOMAL DOMINANT 14; DEAFNESS, AUTOSOMAL DOMINANT 38; Autosomal dominant nonsyndromic deafness 6. Identifiers: Orphanet 90635, MedGen C1833021, MONDO:0010963, OMIM 600965.
Type 2 diabetes mellitus. Also called: Type II diabetes mellitus. Identifiers: MedGen C0011860, MeSH D003924, MONDO:0005148, OMIM 125853, HP:0005978.
Wolfram syndrome 1 (WFS1). Identifiers: Orphanet 3463, MedGen C4551693, MONDO:0009101, OMIM 222300.

Allele frequency attached by ClinVar (database versions not stated): TOPMed 0.00002; gnomAD 0.00003.
gnomAD v4.1: 12 of 1,612,898 alleles (0.00074%); highest among the groups gnomAD compares: Admixed American, 0.012%; no homozygotes.

Submissions (3):

Labcorp Genetics (formerly Invitae), Labcorp
Classification: Likely benign. Last evaluated: 2025-09-04. Review status: criteria provided, single submitter. Criteria: Invitae Variant Classification Sherloc (09022015). Collection method: clinical testing. Allele origin: germline.

Fulgent Genetics
Classification: Likely benign for Cataract 41; Type 2 diabetes mellitus; Wolfram syndrome 1; Autosomal dominant nonsyndromic hearing loss 6; Wolfram-like syndrome. Last evaluated: 2021-11-17. Review status: criteria provided, single submitter. Criteria: ACMG Guidelines, 2015. Collection method: clinical testing. Allele origin: unknown.

Clinical Genomics, Uppaluri K&H Personalized Medicine Clinic
Classification: Benign for Wolfram syndrome 1. Review status: criteria provided, single submitter. Criteria: K & H Uppaluri Personalized Medicine Clinic Variant Classification & Assertion Criteria_Updated V.1. Collection method: research. Allele origin: unknown. Inheritance: Autosomal recessive inheritance.
Comment: Potent mutations in WFS1 gene are associated with Wolfram's syndrome, an autosomal recessive condition, which cause diabetes mellitus, diabetes insipidus, deafness and optic atrophy. However no sufficient evidence is found to ascertain the role of this particular variant rs760906868 in Wolfram's syndrome yet.

Literature cited by the submitters: PubMed 20738327 (cited by Clinical Genomics, Uppaluri K&H Personalized Medicine Clinic); PubMed 33879153 (cited by Clinical Genomics, Uppaluri K&H Personalized Medicine Clinic); PubMed 12955714 (cited by Clinical Genomics, Uppaluri K&H Personalized Medicine Clinic); PubMed 18060660 (cited by Clinical Genomics, Uppaluri K&H Personalized Medicine Clinic); PubMed 20301750 (cited by Clinical Genomics, Uppaluri K&H Personalized Medicine Clinic); PubMed 17603484 (cited by Clinical Genomics, Uppaluri K&H Personalized Medicine Clinic).